The following is an entry in ClinVar:

NM_001369.3(DNAH5):c.9538T>G (p.Ser3180Ala)

Gene: DNAH5 (dynein axonemal heavy chain 5; minus strand). Cytogenetic location: 5p15.2.
Variant type: single nucleotide variant.
Coding change: c.9538T>G on transcript NM_001369.3 (MANE Select); coding-DNA position 9538, T replaced by G.
Protein change: p.Ser3180Ala; replaces serine 3180 with alanine.
Molecular consequence: missense variant.
Genome position (GRCh38, 1-based): chr5:13,770,816, A>C on the plus strand (T>G on the coding strand, the complement: DNAH5 is on the minus strand). VCF-style: chr5-13770816-A-C. GRCh37 (hg19) VCF-style: chr5-13770925-A-C.
Other names: short protein forms S3180A.
Identifiers: ClinVar variation 1393885 (VCV001393885.6), dbSNP rs375817990, ClinGen allele CA359204434.

ClinVar aggregate classification (germline): Uncertain significance (1 of 4 stars; one submission).

Conditions:
Primary ciliary dyskinesia. Also called: Ciliary dyskinesia. Identifiers: Orphanet 244, MedGen C0008780, MONDO:0016575, HP:0012265.

Allele frequency attached by ClinVar (database versions not stated): gnomAD exomes 0.00001; gnomAD 0.00005.
gnomAD v4.1: 10 of 1,613,982 alleles (0.00062%); highest among the groups gnomAD compares: Admixed American, 0.017%; no homozygotes.

Submission:

Labcorp Genetics (formerly Invitae), Labcorp
Classification: Uncertain significance for Primary ciliary dyskinesia. Last evaluated: 2021-11-18. Review status: criteria provided, single submitter. Criteria: Invitae Variant Classification Sherloc (09022015). Collection method: clinical testing. Allele origin: germline.
Comment: This variant has not been reported in the literature in individuals affected with DNAH5-related conditions. This variant is present in population databases (no rsID available, gnomAD 0.009%). This sequence change replaces serine, which is neutral and polar, with alanine, which is neutral and non-polar, at codon 3180 of the DNAH5 protein (p.Ser3180Ala). Advanced modeling of protein sequence and biophysical properties (such as structural, functional, and spatial information, amino acid conservation, physicochemical variation, residue mobility, and thermodynamic stability) performed at Invitae indicates that this missense variant is not expected to disrupt DNAH5 protein function. In summary, the available evidence is currently insufficient to determine the role of this variant in disease. Therefore, it has been classified as a Variant of Uncertain Significance.